The following is an entry in ClinVar:

ClinVar aggregate classification (germline): Pathogenic (1 of 4 stars; one submission).

Submission:

Labcorp Genetics (formerly Invitae), Labcorp
Classification: Pathogenic. Last evaluated: 2022-04-23. Review status: criteria provided, single submitter. Criteria: Invitae Variant Classification Sherloc (09022015). Collection method: clinical testing. Allele origin: germline.
Comment: For these reasons, this variant has been classified as Pathogenic. This variant disrupts a region of the GNAS protein in which other variant(s) (p.Glu392Lys) have been determined to be pathogenic (PMID: 12970262, 21488135, 21525160, 24651309). This suggests that this is a clinically significant region of the protein, and that variants that disrupt it are likely to be disease-causing. This variant has not been reported in the literature in individuals affected with GNAS-related conditions. This variant is not present in population databases (gnomAD no frequency). This sequence change creates a premature translational stop signal (p.Gln294Serfs*42) in the GNAS gene. While this is not anticipated to result in nonsense mediated decay, it is expected to disrupt the last 101 amino acid(s) of the GNAS protein.

Literature cited by the submitters: PubMed 12970262; PubMed 21488135; PubMed 21525160; PubMed 24651309.

NM_000516.7(GNAS):c.877_878dup (p.Gln294fs)

Gene: GNAS (GNAS complex locus; plus strand). Cytogenetic location: 20q13.32.
Variant type: Duplication.
Coding change: c.877_878dup on transcript NM_000516.7 (MANE Select); coding-DNA positions 877 to 878, 2 bases duplicated (AA; older notation c.877_878dupAA).
Protein change: p.Gln294fs; shifts the reading frame from glutamine 294.
Molecular consequence: frameshift variant. On other transcripts: 3 prime UTR variant (2).
Genome position (GRCh38, 1-based): chr20:58,909,988-58,909,989, AA duplicated. VCF-style (leftmost placement, unchanged base first): chr20-58909987-C-CAA. GRCh37 (hg19) VCF-style: chr20-57485042-C-CAA.
Other names: c.880_881dup, p.Gln295fs (NM_001077488.5); c.832_833dup, p.Gln279fs (NM_001077489.4); c.*738_*739dup (NM_001077490.3); c.700_701dup, p.Gln235fs (NM_001309840.2, NM_001309861.2); c.781_782dup, p.Gln262Serfs (NM_001410912.1); c.2761_2762dup, p.Gln922Serfs (NM_001410913.1); c.*783_*784dup (NM_016592.5); c.2806_2807dup, p.Gln937fs (NM_080425.4); and 1 more; short protein forms Q279fs, Q280fs, Q937fs, Q235fs, Q294fs, Q295fs.
Identifiers: ClinVar variation 2129795 (VCV002129795.4), dbSNP rs2517269281, ClinGen allele CA2580098331.